The following is an entry in ClinVar:

NM_182914.3(SYNE2):c.20158C>T (p.Arg6720Trp)

Gene: SYNE2 (spectrin repeat containing nuclear envelope protein 2; plus strand). Cytogenetic location: 14q23.2.
Variant type: single nucleotide variant.
Coding change: c.20158C>T on transcript NM_182914.3 (MANE Select); coding-DNA position 20158, C replaced by T.
Protein change: p.Arg6720Trp; replaces arginine 6720 with tryptophan.
Molecular consequence: missense variant.
Genome position (GRCh38, 1-based): chr14:64,221,672, C>T. VCF-style: chr14-64221672-C-T. GRCh37 (hg19) VCF-style: chr14-64688390-C-T.
Other names: c.20089C>T, p.Arg6697Trp (NM_015180.6); c.724C>T, p.Arg242Trp (NM_182910.2); c.1102C>T, p.Arg368Trp (NM_182913.4); short protein forms R6720W, R6697W, R368W, R242W.
Identifiers: ClinVar variation 193954 (VCV000193954.45), dbSNP rs35700578, ClinGen allele CA239697.

ClinVar aggregate classification (germline): Benign/Likely benign. Review status: criteria provided, multiple submitters, no conflicts (2 of 4 stars). 8 submissions from 8 submitters: Benign (3); Likely benign (4). 1 of the submissions does not count toward it. Last evaluated 2026-09-01.

Conditions:
Emery-Dreifuss muscular dystrophy 5, autosomal dominant (EDMD5). Also called: EMERY-DREIFUSS MUSCULAR DYSTROPHY 5. Identifiers: Orphanet 261, MedGen C2751805, MONDO:0013072, OMIM 612999.

Allele frequency attached by ClinVar (database versions not stated): 1000 Genomes Project 30x 0.00094; 1000 Genomes Project 0.00120; TOPMed 0.00248; gnomAD 0.00312 and 0.00335; gnomAD exomes 0.00321 and 0.00419; ExAC 0.00338; ESP Exome Variant Server 0.00392.
gnomAD v4.1: 6,555 of 1,614,164 alleles (0.41%); highest among the groups gnomAD compares: Non-Finnish European, 0.45%; 22 homozygotes.

Submissions (8):

CeGaT Center for Human Genetics Tuebingen
Classification: Likely benign. Last evaluated: 2026-09-01. Review status: criteria provided, single submitter. Criteria: CeGaT Center For Human Genetics Tuebingen Variant Classification Criteria Version 2. Collection method: clinical testing. Allele origin: germline. Affected: yes. Observed: 9 variant alleles.
Comment: SYNE2: BP4, BS2

Labcorp Genetics (formerly Invitae), Labcorp
Classification: Likely benign for Emery-Dreifuss muscular dystrophy 5, autosomal dominant. Last evaluated: 2026-01-05. Review status: criteria provided, single submitter. Criteria: Invitae Variant Classification Sherloc (09022015). Collection method: clinical testing. Allele origin: germline.

Illumina Laboratory Services, Illumina
Classification: Benign for Emery-Dreifuss muscular dystrophy 5, autosomal dominant. Last evaluated: 2018-01-13. Review status: criteria provided, single submitter. Criteria: ICSL Variant Classification Criteria 13 December 2019. Collection method: clinical testing. Allele origin: germline.
Comment: This variant was observed in the ICSL laboratory as part of a predisposition screen in an ostensibly healthy population. It had not been previously curated by ICSL or reported in the Human Gene Mutation Database (HGMD: prior to June 1st, 2018), and was therefore a candidate for classification through an automated scoring system. Utilizing variant allele frequency, disease prevalence and penetrance estimates, and inheritance mode, an automated score was calculated to assess if this variant is too frequent to cause the disease. Based on the score and internal cut-off values, a variant classified as benign is not then subjected to further curation. The score for this variant resulted in a classification of benign for this disease.

Clinical Genetics DNA and cytogenetics Diagnostics Lab, Erasmus MC, Erasmus Medical Center
Classification: Benign for Emery-Dreifuss muscular dystrophy 5, autosomal dominant. Last evaluated: 2016-01-13. Review status: criteria provided, single submitter. Criteria: ACGS Guidelines, 2013. Collection method: clinical testing. Allele origin: germline. Affected: yes. Study: VKGL Data-share Consensus.

Eurofins Ntd Llc (ga)
Classification: Likely benign. Last evaluated: 2015-08-17. Review status: criteria provided, single submitter. Criteria: EGL Classification Definitions 2015. Collection method: clinical testing. Allele origin: germline. Observed: 4 variant alleles, 3 heterozygotes.

Genome Diagnostics Laboratory, University Medical Center Utrecht
Classification: Benign for Emery-Dreifuss muscular dystrophy 5, autosomal dominant. Last evaluated: 2014-10-09. Review status: criteria provided, single submitter. Criteria: ACGS Guidelines, 2013. Collection method: clinical testing. Allele origin: germline. Affected: yes. Study: VKGL Data-share Consensus.

Breakthrough Genomics
Classification: Likely benign. Review status: criteria provided, single submitter. Criteria: ACMG Guidelines, 2015. Collection method: not provided. Allele origin: germline. Inheritance: Autosomal dominant inheritance. Affected: yes.

Laboratory of Diagnostic Genome Analysis, Leiden University Medical Center (LUMC)
Classification: Likely benign. Review status: no assertion criteria provided. Collection method: clinical testing. Allele origin: germline. Affected: yes. Study: VKGL Data-share Consensus. Not counted in ClinVar's aggregate classification.